The following is an entry in ClinVar:

NM_000222.3(KIT):c.1488T>C (p.Asp496=)

Gene: KIT (KIT proto-oncogene, receptor tyrosine kinase; plus strand). Cytogenetic location: 4q12.
Variant type: single nucleotide variant.
Coding change: c.1488T>C on transcript NM_000222.3 (MANE Select); coding-DNA position 1488, T replaced by C.
Protein change: p.Asp496=; no amino-acid change (aspartic acid 496 retained).
Molecular consequence: synonymous variant.
Genome position (GRCh38, 1-based): chr4:54,725,998, T>C. VCF-style: chr4-54725998-T-C. GRCh37 (hg19) VCF-style: chr4-55592164-T-C.
Other names: c.1488T>C, p.Asp496= (NM_001093772.2, NM_001385285.1, NM_001385286.1); c.1491T>C, p.Asp497= (NM_001385284.1, NM_001385288.1, NM_001385290.1 and 1 more transcripts).
Identifiers: ClinVar variation 793124 (VCV000793124.12), dbSNP rs1577992515, ClinGen allele CA439290811.

ClinVar aggregate classification (germline): Benign/Likely benign. Review status: criteria provided, multiple submitters, no conflicts (2 of 4 stars). 3 submissions from 3 submitters: Benign (1); Likely benign (2). Last evaluated 2026-06-03.

Conditions:
Hereditary cancer-predisposing syndrome. Also called: Neoplastic Syndromes, Hereditary; Hereditary Cancer Syndrome; Hereditary neoplastic syndrome; Tumor predisposition. Identifiers: Orphanet 140162, MedGen C0027672, MeSH D009386, MONDO:0015356.
Gastrointestinal stromal tumor. Also called: Gastrointestinal stromal tumor, somatic; Gastrointestinal stroma tumor. Identifiers: Orphanet 44890, MedGen C0238198, MeSH D046152, MONDO:0011719, OMIM 606764, HP:0100723.

Submissions (3):

Myriad Genetics, Inc.
Classification: Benign for Gastrointestinal stromal tumor. Last evaluated: 2026-06-03. Review status: criteria provided, single submitter. Criteria: Myriad Autosomal Dominant, Autosomal Recessive and X-Linked Classification Criteria (2023). Collection method: clinical testing. Allele origin: unknown.
Comment: This variant is considered benign. This variant is a silent/synonymous amino acid change and it is not expected to impact splicing.

Ambry Genetics
Classification: Likely benign for Hereditary cancer-predisposing syndrome. Last evaluated: 2025-11-18. Review status: criteria provided, single submitter. Criteria: Ambry Variant Classification Scheme 2023. Collection method: clinical testing. Allele origin: germline.

Labcorp Genetics (formerly Invitae), Labcorp
Classification: Likely benign for Gastrointestinal stromal tumor. Last evaluated: 2024-12-15. Review status: criteria provided, single submitter. Criteria: Invitae Variant Classification Sherloc (09022015). Collection method: clinical testing. Allele origin: germline.